The following is an entry in ClinVar:

NM_005276.4(GPD1):c.686G>A (p.Arg229Gln)

Gene: GPD1 (glycerol-3-phosphate dehydrogenase 1; plus strand). Cytogenetic location: 12q13.12.
Variant type: single nucleotide variant.
Coding change: c.686G>A on transcript NM_005276.4 (MANE Select); coding-DNA position 686, G replaced by A.
Protein change: p.Arg229Gln; replaces arginine 229 with glutamine.
Molecular consequence: missense variant.
Genome position (GRCh38, 1-based): chr12:50,107,640, G>A. VCF-style: chr12-50107640-G-A. GRCh37 (hg19) VCF-style: chr12-50501423-G-A.
Other names: c.617G>A, p.Arg206Gln (NM_001257199.2); short protein forms R206Q, R229Q.
Identifiers: ClinVar variation 3391232 (VCV003391232.2).

ClinVar aggregate classification (germline): Likely pathogenic. Review status: criteria provided, multiple submitters, no conflicts (2 of 4 stars). 2 submissions from 2 submitters: Likely pathogenic (2). Last evaluated 2025-07-31.

Conditions:
Transient infantile hypertriglyceridemia and hepatosteatosis. Identifiers: Orphanet 300293, MedGen C3280953, MONDO:0013771, OMIM 614480.

gnomAD v4.1: 62 of 1,614,130 alleles (0.0038%); highest among the groups gnomAD compares: Admixed American, 0.01%; no homozygotes.

Submissions (2):

First Genomix Gene Laboratory, Genetic Diagnostics Department
Classification: Likely pathogenic for Transient infantile hypertriglyceridemia and hepatosteatosis. Last evaluated: 2025-07-31. Review status: criteria provided, single submitter. Criteria: ACMG Guidelines, 2015. Collection method: clinical testing. Allele origin: germline. Inheritance: Autosomal recessive inheritance. Affected: no. Observed: 1 variant allele.

Neuberg Centre For Genomic Medicine, NCGM
Classification: Likely pathogenic for Transient infantile hypertriglyceridemia and hepatosteatosis. Last evaluated: 2023-07-22. Review status: criteria provided, single submitter. Criteria: ACMG Guidelines, 2015. Collection method: clinical testing. Allele origin: germline. Inheritance: Autosomal recessive inheritance. Affected: yes.
Comment: The missense c.686G>A p.Arg229Gln variant in the GPD1 gene has been reported previously in patients affected with Transient infantile hypertriglyceridemia Li, Jia-Qi et al.,2018. A different missense change p.Arg229Pro has been previously reported as likely pathogenic Joshi M, et al., 2014. This variant is reported with the allele frequency 0.006% in the gnomAD Exomes. The amino acid Arginine at position 229 is changed to a Glutamine changing protein sequence and it might alter its composition and physico-chemical properties. Multiple lines of computational evidence Polyphen - Damaging, SIFT – Damaging and MutationTaster - Disease causing predict a damaging effect on protein structure and function for this variant. The amino acid Arginine in GPD1 is predicted as conserved by GERP++ and PhyloP across 100 vertebrates. Functional studies are required to prove the pathogenicity of the variant. For these reasons, this variant has been classified as Likely Pathogenic.